The following is an entry in ClinVar:

ClinVar aggregate classification (germline): Uncertain significance (1 of 4 stars; one submission).

Conditions:
Hereditary cancer-predisposing syndrome. Also called: Neoplastic Syndromes, Hereditary; Tumor predisposition; Hereditary neoplastic syndrome; Hereditary Cancer Syndrome. Identifiers: Orphanet 140162, MedGen C0027672, MeSH D009386, MONDO:0015356.

gnomAD v4.1: 1 of 1,614,010 alleles (0.000062%); highest among the groups gnomAD compares: Non-Finnish European, 0.000085%; no homozygotes.

Submission:

Ambry Genetics
Classification: Uncertain significance for Hereditary cancer-predisposing syndrome. Last evaluated: 2026-08-23. Review status: criteria provided, single submitter. Criteria: Ambry Variant Classification Scheme 2023. Collection method: clinical testing. Allele origin: germline.
Comment: The p.D1099V variant (also known as c.3296A>T), located in coding exon 21 of the RAD50 gene, results from an A to T substitution at nucleotide position 3296. The aspartic acid at codon 1099 is replaced by valine, an amino acid with highly dissimilar properties. This amino acid position is conserved. In addition, this alteration is predicted to be tolerated by in silico analysis. Based on the available evidence, the clinical significance of this variant remains unclear.

NM_005732.4(RAD50):c.3296A>T (p.Asp1099Val)

Gene: RAD50 (RAD50 double strand break repair protein; plus strand). Cytogenetic location: 5q31.1.
Variant type: single nucleotide variant.
Coding change: c.3296A>T on transcript NM_005732.4 (MANE Select); coding-DNA position 3296, A replaced by T.
Protein change: p.Asp1099Val; replaces aspartic acid 1099 with valine.
Molecular consequence: missense variant.
Genome position (GRCh38, 1-based): chr5:132,618,201, A>T. VCF-style: chr5-132618201-A-T. GRCh37 (hg19) VCF-style: chr5-131953893-A-T.
Other names: short protein forms D1099V.
Identifiers: ClinVar variation 5027735 (VCV005027735.1).
Genomic context (GRCh38, chr5:132,618,201, plus strand): 5'-AAGGTTATGAAGAAGAAATTATTCATTTTAAGAAAGAACTTCGAGAACCACAATTTCGGG[A>T]TGCTGAGGAAAAGTATAGAGAAATGATGATTGTTATGAGGACAACAGAACTTGTGAACAA-3'
Protein context (NP_005723.2, residues 1089-1109): KKELREPQFR[Asp1099Val]AEEKYREMMI